The following is an entry in ClinVar:

NM_206937.2(LIG4):c.2111C>G (p.Ser704Cys)

Gene: LIG4 (DNA ligase 4; minus strand). Cytogenetic location: 13q33.3.
Variant type: single nucleotide variant.
Coding change: c.2111C>G on transcript NM_206937.2 (MANE Select); coding-DNA position 2111, C replaced by G.
Protein change: p.Ser704Cys; replaces serine 704 with cysteine.
Molecular consequence: missense variant.
Genome position (GRCh38, 1-based): chr13:108,209,158, G>C on the plus strand (C>G on the coding strand, the complement: LIG4 is on the minus strand). VCF-style: chr13-108209158-G-C. GRCh37 (hg19) VCF-style: chr13-108861506-G-C.
Other names: c.2111C>G, p.Ser704Cys (NM_001379095.1, NM_002312.3, NM_001098268.2 and 6 more transcripts); c.1910C>G, p.Ser637Cys (NM_001330595.2); c.2147C>G, p.Ser716Cys (NM_001352604.2); short protein forms S637C, S716C, S704C.
Identifiers: ClinVar variation 3657151 (VCV003657151.2).

ClinVar aggregate classification (germline): Uncertain significance (1 of 4 stars; one submission).

Conditions:
DNA ligase IV deficiency. Identifiers: Orphanet 99812, MedGen C1847827, MONDO:0011686, OMIM 606593.

Submission:

Labcorp Genetics (formerly Invitae), Labcorp
Classification: Uncertain significance for DNA ligase IV deficiency. Last evaluated: 2024-06-20. Review status: criteria provided, single submitter. Criteria: Invitae Variant Classification Sherloc (09022015). Collection method: clinical testing. Allele origin: germline.
Comment: This sequence change replaces serine, which is neutral and polar, with cysteine, which is neutral and slightly polar, at codon 704 of the LIG4 protein (p.Ser704Cys). This variant is not present in population databases (gnomAD no frequency). This variant has not been reported in the literature in individuals affected with LIG4-related conditions. Algorithms developed to predict the effect of missense changes on protein structure and function output the following: SIFT: "Not Available"; PolyPhen-2: "Benign"; Align-GVGD: "Not Available". The cysteine amino acid residue is found in multiple mammalian species, which suggests that this missense change does not adversely affect protein function. In summary, the available evidence is currently insufficient to determine the role of this variant in disease. Therefore, it has been classified as a Variant of Uncertain Significance.